The following is an entry in ClinVar:

NM_001478.5(B4GALNT1):c.601G>C (p.Glu201Gln)

Gene: B4GALNT1 (beta-1,4-N-acetyl-galactosaminyltransferase 1; minus strand). Cytogenetic location: 12q13.3.
Variant type: single nucleotide variant.
Coding change: c.601G>C on transcript NM_001478.5 (MANE Select); coding-DNA position 601, G replaced by C.
Protein change: p.Glu201Gln; replaces glutamic acid 201 with glutamine.
Molecular consequence: missense variant.
Genome position (GRCh38, 1-based): chr12:57,630,263, C>G on the plus strand (G>C on the coding strand, the complement: B4GALNT1 is on the minus strand). VCF-style: chr12-57630263-C-G. GRCh37 (hg19) VCF-style: chr12-58024046-C-G.
Other names: c.436G>C, p.Glu146Gln (NM_001276468.2); c.601G>C, p.Glu201Gln (NM_001276469.2); c.601G>C (NM_001478.3); short protein forms E201Q, E146Q.
Identifiers: ClinVar variation 1035334 (VCV001035334.5), dbSNP rs546888005, ClinGen allele CA6655715.

ClinVar aggregate classification (germline): Uncertain significance. Review status: criteria provided, multiple submitters, no conflicts (2 of 4 stars). 2 submissions from 2 submitters: Uncertain significance (2). Last evaluated 2025-02-06.

Conditions:
Spastic paraplegia. Identifiers: MedGen C0037772, HP:0001258.
Inborn genetic diseases. Identifiers: MedGen C0950123, MeSH D030342.

Allele frequency attached by ClinVar (database versions not stated): gnomAD exomes below 0.00001 and 0.00002; ExAC 0.00003; TOPMed 0.00009; gnomAD 0.00010; 1000 Genomes Project 30x 0.00016; 1000 Genomes Project 0.00020.

Submissions (2):

Ambry Genetics
Classification: Uncertain significance for Inborn genetic diseases. Last evaluated: 2025-02-06. Review status: criteria provided, single submitter. Criteria: Ambry Variant Classification Scheme 2023. Collection method: clinical testing. Allele origin: germline.

Labcorp Genetics (formerly Invitae), Labcorp
Classification: Uncertain significance for Spastic paraplegia. Last evaluated: 2022-10-17. Review status: criteria provided, single submitter. Criteria: Invitae Variant Classification Sherloc (09022015). Collection method: clinical testing. Allele origin: germline.
Comment: This sequence change replaces glutamic acid, which is acidic and polar, with glutamine, which is neutral and polar, at codon 201 of the B4GALNT1 protein (p.Glu201Gln). This variant is present in population databases (rs546888005, gnomAD 0.03%). This variant has not been reported in the literature in individuals affected with B4GALNT1-related conditions. ClinVar contains an entry for this variant (Variation ID: 1035334). Advanced modeling of protein sequence and biophysical properties (such as structural, functional, and spatial information, amino acid conservation, physicochemical variation, residue mobility, and thermodynamic stability) performed at Invitae indicates that this missense variant is not expected to disrupt B4GALNT1 protein function. Algorithms developed to predict the effect of sequence changes on RNA splicing suggest that this variant may create or strengthen a splice site. In summary, the available evidence is currently insufficient to determine the role of this variant in disease. Therefore, it has been classified as a Variant of Uncertain Significance.